The following is an entry in ClinVar:

NM_001035.3(RYR2):c.5198C>T (p.Thr1733Met)

Gene: RYR2 (ryanodine receptor 2; plus strand). Cytogenetic location: 1q43.
Variant type: single nucleotide variant.
Coding change: c.5198C>T on transcript NM_001035.3 (MANE Select); coding-DNA position 5198, C replaced by T.
Protein change: p.Thr1733Met; replaces threonine 1733 with methionine.
Molecular consequence: missense variant.
Genome position (GRCh38, 1-based): chr1:237,614,326, C>T. VCF-style: chr1-237614326-C-T. GRCh37 (hg19) VCF-style: chr1-237777626-C-T.
Other names: short protein forms T1733M.
Identifiers: ClinVar variation 956607 (VCV000956607.11), dbSNP rs750668049, ClinGen allele CA086847.

ClinVar aggregate classification (germline): Uncertain significance. Review status: criteria provided, multiple submitters, no conflicts (2 of 4 stars). 2 submissions from 2 submitters: Uncertain significance (2). Last evaluated 2024-03-18.

Conditions:
Catecholaminergic polymorphic ventricular tachycardia 1. Also called: VENTRICULAR TACHYCARDIA, CATECHOLAMINERGIC POLYMORPHIC, 1, WITH OR WITHOUT ATRIAL DYSFUNCTION AND/OR DILATED CARDIOMYOPATHY; VENTRICULAR TACHYCARDIA, STRESS-INDUCED POLYMORPHIC 1; RYR2-Related Catecholaminergic Polymorphic Ventricular Tachycardia. Identifiers: Orphanet 3286, MedGen C1631597, MONDO:0011484, OMIM 604772.
Cardiomyopathy (CMYO). Also called: Cardiomyopathies. Identifiers: Orphanet 167848, MedGen C0878544, MONDO:0004994, HP:0001638. Inheritance: Various modes of inheritance.

Allele frequency attached by ClinVar (database versions not stated): gnomAD 0.00001; ExAC 0.00002; gnomAD exomes 0.00002.
gnomAD v4.1: 14 of 1,613,904 alleles (0.00087%); highest among the groups gnomAD compares: South Asian, 0.0033%; no homozygotes.

Submissions (2):

Labcorp Genetics (formerly Invitae), Labcorp
Classification: Uncertain significance for Catecholaminergic polymorphic ventricular tachycardia 1. Last evaluated: 2024-03-18. Review status: criteria provided, single submitter. Criteria: Invitae Variant Classification Sherloc (09022015). Collection method: clinical testing. Allele origin: germline.
Comment: This sequence change replaces threonine, which is neutral and polar, with methionine, which is neutral and non-polar, at codon 1733 of the RYR2 protein (p.Thr1733Met). This variant is present in population databases (rs750668049, gnomAD 0.006%). This variant has not been reported in the literature in individuals affected with RYR2-related conditions. ClinVar contains an entry for this variant (Variation ID: 956607). Advanced modeling of protein sequence and biophysical properties (such as structural, functional, and spatial information, amino acid conservation, physicochemical variation, residue mobility, and thermodynamic stability) performed at Invitae indicates that this missense variant is not expected to disrupt RYR2 protein function with a negative predictive value of 95%. In summary, the available evidence is currently insufficient to determine the role of this variant in disease. Therefore, it has been classified as a Variant of Uncertain Significance.

Color Diagnostics, LLC DBA Color Health
Classification: Uncertain significance for Cardiomyopathy. Last evaluated: 2023-10-26. Review status: criteria provided, single submitter. Criteria: ACMG Guidelines, 2015. Collection method: clinical testing. Allele origin: germline.
Comment: This missense variant replaces threonine with methionine at codon 1733 of the RYR2 protein. Computational prediction is inconclusive regarding the impact of this variant on protein structure and function. To our knowledge, functional studies have not been reported for this variant. This variant has not been reported in individuals affected with RYR2-related disorders in the literature. This variant has been identified in 5/280274 chromosomes in the general population by the Genome Aggregation Database (gnomAD). The available evidence is insufficient to determine the role of this variant in disease conclusively. Therefore, this variant is classified as a Variant of Uncertain Significance.